The following is an entry in ClinVar:

ClinVar aggregate classification (germline): Uncertain significance. Review status: criteria provided, multiple submitters, no conflicts (2 of 4 stars). 6 submissions from 6 submitters: Uncertain significance (4). 2 of the submissions do not count toward it. Last evaluated 2021-09-05.

Conditions:
CFTR-related disorder (CFTR-RD). Also called: CFTR-related disorders; CFTR-related condition. Identifiers: MedGen C5924204, MONDO:7770004.
Cystic fibrosis (CF). Also called: MUCOVISCIDOSIS. Identifiers: Orphanet 586, MedGen C0010674, MONDO:0009061, OMIM 219700. Disease mechanism: loss of function.

Allele frequency attached by ClinVar (database versions not stated): TOPMed 0.00001.
gnomAD v4.1: 6 of 1,613,786 alleles (0.00037%); highest among the groups gnomAD compares: African/African-American, 0.0067%; no homozygotes.

Submissions (6):

Genome-Nilou Lab
Classification: Uncertain significance for Cystic fibrosis. Last evaluated: 2021-09-05. Review status: criteria provided, single submitter. Criteria: ACMG Guidelines, 2015. Collection method: clinical testing. Allele origin: germline. Affected: no.

Ambry Genetics
Classification: Uncertain significance for Cystic fibrosis. Last evaluated: 2020-04-27. Review status: criteria provided, single submitter. Criteria: Ambry Variant Classification Scheme 2023. Collection method: clinical testing. Allele origin: germline.
Comment: The p.D1377N variant (also known as c.4129G>A), located in coding exon 25 of the CFTR gene, results from a G to A substitution at nucleotide position 4129. The aspartic acid at codon 1377 is replaced by asparagine, an amino acid with highly similar properties. This amino acid position is highly conserved in available vertebrate species. In addition, the in silico prediction for this alteration is inconclusive. Since supporting evidence is limited at this time, the clinical significance of this alteration remains unclear.

Quest Diagnostics Nichols Institute San Juan Capistrano
Classification: Uncertain significance. Last evaluated: 2020-04-10. Review status: criteria provided, single submitter. Criteria: Quest Diagnostics criteria. Collection method: clinical testing. Allele origin: unknown.

Laboratory for Molecular Medicine, Mass General Brigham Personalized Medicine
Classification: Uncertain significance. Last evaluated: 2013-12-27. Review status: criteria provided, single submitter. Criteria: LMM Criteria. Collection method: clinical testing. Allele origin: germline. Observed: 1 variant allele.
Comment: The Asp1377Asn variant in CFTR has not been previously identified in individuals with pulmonary disease or in large population studies. Aspartic acid at positio n 1377 is highly conserved in evolution, suggesting that a change would not be t olerated. Other computational analyses (biochemical amino acid properties, Alig nGVGD, PolyPhen2, and SIFT) do not provide strong support for or against an impa ct to the protein. In summary, additional information is needed to fully assess its clinical significance.

Natera, Inc.
Classification: Uncertain significance for CFTR-related disorders. Last evaluated: 2019-02-06. Review status: no assertion criteria provided. Collection method: clinical testing. Allele origin: germline. Not counted in ClinVar's aggregate classification.

Counsyl
Classification: Uncertain significance for Cystic fibrosis. Last evaluated: 2018-03-07. Review status: no assertion criteria provided. Collection method: clinical testing. Allele origin: unknown. Not counted in ClinVar's aggregate classification.

Literature cited by the submitters: PubMed 8556303 (cited by Laboratory for Molecular Medicine, Mass General Brigham Personalized Medicine).

NM_000492.4(CFTR):c.4129G>A (p.Asp1377Asn)

Gene: CFTR (CF transmembrane conductance regulator; plus strand). Cytogenetic location: 7q31.2.
Variant type: single nucleotide variant.
Coding change: c.4129G>A on transcript NM_000492.4 (MANE Select); coding-DNA position 4129, G replaced by A.
Protein change: p.Asp1377Asn; replaces aspartic acid 1377 with asparagine.
Molecular consequence: missense variant.
Genome position (GRCh38, 1-based): chr7:117,664,853, G>A. VCF-style: chr7-117664853-G-A. GRCh37 (hg19) VCF-style: chr7-117304907-G-A.
Other names: short protein forms D1377N.
Identifiers: ClinVar variation 179404 (VCV000179404.11), dbSNP rs150683293, ClinGen allele CA184353.
Genomic context (GRCh38, chr7:117,664,853, plus strand): 5'-GCTAGATCTGTTCTCAGTAAGGCGAAGATCTTGCTGCTTGATGAACCCAGTGCTCATTTG[G>A]ATCCAGTGTGAGTTTCAGATGTTCTGTTACTTAATAGCACAGTGGGAACAGAATCATTAT-3'
Protein context (NP_000483.3, residues 1367-1387): LLLDEPSAHL[Asp1377Asn]PVTYQIIRRT